The following is an entry in ClinVar:

NM_020800.3(IFT80):c.2215G>A (p.Ala739Thr)

Genes: TRIM59-IFT80 (TRIM59-IFT80 readthrough (NMD candidate); minus strand), IFT80 (intraflagellar transport 80; minus strand). Cytogenetic location: 3q25.33.
Variant type: single nucleotide variant.
Coding change: c.2215G>A on transcript NM_020800.3 (MANE Select); coding-DNA position 2215, G replaced by A.
Protein change: p.Ala739Thr; replaces alanine 739 with threonine.
Molecular consequence: missense variant. On other transcripts: non-coding transcript variant (3).
Genome position (GRCh38, 1-based): chr3:160,268,421, C>T on the plus strand (G>A on the coding strand, the complement: IFT80 is on the minus strand). VCF-style: chr3-160268421-C-T. GRCh37 (hg19) VCF-style: chr3-159986209-C-T.
Other names: c.1804G>A, p.Ala602Thr (NM_001190241.2, NM_001190242.2); short protein forms A739T, A602T.
Identifiers: ClinVar variation 1460991 (VCV001460991.6), dbSNP rs2108209837, ClinGen allele CA355249816.

ClinVar aggregate classification (germline): Uncertain significance (1 of 4 stars; one submission).

Conditions:
Jeune thoracic dystrophy. Also called: Jeune syndrome; Infantile thoracic dystrophy; Thoracic pelvic phalangeal dystrophy; Jeune's syndrome; Chondroectodermal dysplasia-like syndrome; Short-rib thoracic dysplasia. Identifiers: Orphanet 474, MedGen C0265275, MONDO:0018770.

Allele frequency attached by ClinVar (database versions not stated): gnomAD exomes below 0.00001.
gnomAD v4.1: 1 of 1,612,186 alleles (0.000062%); highest among the groups gnomAD compares: Non-Finnish European, 0.000085%; no homozygotes.

Submission:

Labcorp Genetics (formerly Invitae), Labcorp
Classification: Uncertain significance for Jeune thoracic dystrophy. Last evaluated: 2022-11-22. Review status: criteria provided, single submitter. Criteria: Invitae Variant Classification Sherloc (09022015). Collection method: clinical testing. Allele origin: germline.
Comment: In summary, the available evidence is currently insufficient to determine the role of this variant in disease. Therefore, it has been classified as a Variant of Uncertain Significance. Algorithms developed to predict the effect of missense changes on protein structure and function (SIFT, PolyPhen-2, Align-GVGD) all suggest that this variant is likely to be tolerated. ClinVar contains an entry for this variant (Variation ID: 1460991). This variant has not been reported in the literature in individuals affected with IFT80-related conditions. This sequence change replaces alanine, which is neutral and non-polar, with threonine, which is neutral and polar, at codon 739 of the IFT80 protein (p.Ala739Thr). This variant is not present in population databases (gnomAD no frequency).